The following is an entry in ClinVar:

ClinVar aggregate classification (germline): Likely benign. Review status: criteria provided, multiple submitters, no conflicts (2 of 4 stars). 3 submissions from 3 submitters: Likely benign (3). Last evaluated 2024-02-22.

Conditions:
Malignant hyperthermia, susceptibility to, 5 (MHS5). Also called: CACNA1S-Related Malignant Hyperthermia Susceptibility. Identifiers: Orphanet 423, MedGen C1866077, MONDO:0011163, OMIM 601887.
Hypokalemic periodic paralysis, type 1. Also called: Hypokalemic Periodic Paralysis Type 1 (AD); HypoPP. Identifiers: Orphanet 681, MedGen C3714580, MONDO:0042979, OMIM 170400.

Allele frequency attached by ClinVar (database versions not stated): TOPMed below 0.00001.

Submissions (3):

All of Us Research Program, National Institutes of Health
Classification: Likely benign for Malignant hyperthermia, susceptibility to, 5. Last evaluated: 2024-02-22. Review status: criteria provided, single submitter. Criteria: ACMG Guidelines, 2015. Collection method: clinical testing. Allele origin: germline. Inheritance: Autosomal dominant inheritance. Observed: 2 variant alleles, 2 heterozygotes.
Comment: This study involves interpretation of variants in research participants for the purpose of population health screening. Participant phenotype was not available at the time of variant classification. Additional details can be found in publication PMID: 35346344, PMCID: PMC8962531

Color Diagnostics, LLC DBA Color Health
Classification: Likely benign for Malignant hyperthermia, susceptibility to, 5. Last evaluated: 2024-02-13. Review status: criteria provided, single submitter. Criteria: ACMG Guidelines, 2015. Collection method: clinical testing. Allele origin: germline.

Labcorp Genetics (formerly Invitae), Labcorp
Classification: Likely benign for Hypokalemic periodic paralysis, type 1; Malignant hyperthermia, susceptibility to, 5. Last evaluated: 2022-10-20. Review status: criteria provided, single submitter. Criteria: Invitae Variant Classification Sherloc (09022015). Collection method: clinical testing. Allele origin: germline.

NM_000069.3(CACNA1S):c.3057G>C (p.Leu1019=)

Gene: CACNA1S (calcium voltage-gated channel subunit alpha1 S; minus strand). Cytogenetic location: 1q32.1.
Variant type: single nucleotide variant.
Coding change: c.3057G>C on transcript NM_000069.3 (MANE Select); coding-DNA position 3057, G replaced by C.
Protein change: p.Leu1019=; no amino-acid change (leucine 1019 retained).
Molecular consequence: synonymous variant.
Genome position (GRCh38, 1-based): chr1:201,061,465, C>G on the plus strand (G>C on the coding strand, the complement: CACNA1S is on the minus strand). VCF-style: chr1-201061465-C-G. GRCh37 (hg19) VCF-style: chr1-201030593-C-G.
Identifiers: ClinVar variation 2024666 (VCV002024666.7), dbSNP rs755669852, ClinGen allele CA36007473.